The following is an entry in ClinVar:

NM_001077525.3(MTMR14):c.41G>A (p.Gly14Glu)

Gene: MTMR14 (myotubularin related protein 14; plus strand). Cytogenetic location: 3p25.3.
Variant type: single nucleotide variant.
Coding change: c.41G>A on transcript NM_001077525.3 (MANE Select); coding-DNA position 41, G replaced by A.
Protein change: p.Gly14Glu; replaces glycine 14 with glutamic acid.
Molecular consequence: missense variant. On other transcripts: 5 prime UTR variant (23), non-coding transcript variant (9).
Genome position (GRCh38, 1-based): chr3:9,649,624, G>A. VCF-style: chr3-9649624-G-A. GRCh37 (hg19) VCF-style: chr3-9691308-G-A.
Other names: c.41G>A, p.Gly14Glu (NM_001077526.3, NM_001400519.1, NM_001400520.1 and 9 more transcripts); c.-93G>A (NM_001400518.1, NM_001400521.1, NM_001400525.1 and 4 more transcripts); c.-465G>A (NM_001400533.1, NM_001400539.1, NM_001400545.1); c.-526G>A (NM_001400534.1, NM_001400538.1, NM_001400541.1 and 2 more transcripts); c.-316G>A (NM_001400535.1); c.-493G>A (NM_001400540.1); c.-728G>A (NM_001400542.1); c.-287G>A (NM_001400543.1); and 4 more; short protein forms G14E.
Identifiers: ClinVar variation 1989431 (VCV001989431.6), dbSNP rs755475489, ClinGen allele CA2240125.

ClinVar aggregate classification (germline): Uncertain significance. Review status: criteria provided, multiple submitters, no conflicts (2 of 4 stars). 2 submissions from 2 submitters: Uncertain significance (2). Last evaluated 2024-06-21.

Allele frequency attached by ClinVar (database versions not stated): TOPMed 0.00004; gnomAD 0.00005; gnomAD exomes 0.00015.

Submissions (2):

Labcorp Genetics (formerly Invitae), Labcorp
Classification: Uncertain significance. Last evaluated: 2024-06-21. Review status: criteria provided, single submitter. Criteria: Invitae Variant Classification Sherloc (09022015). Collection method: clinical testing. Allele origin: germline.
Comment: This sequence change replaces glycine, which is neutral and non-polar, with glutamic acid, which is acidic and polar, at codon 14 of the MTMR14 protein (p.Gly14Glu). This variant is present in population databases (rs755475489, gnomAD 0.004%). This variant has not been reported in the literature in individuals affected with MTMR14-related conditions. ClinVar contains an entry for this variant (Variation ID: 1989431). Experimental studies and prediction algorithms are not available or were not evaluated, and the functional significance of this variant is currently unknown. In summary, the available evidence is currently insufficient to determine the role of this variant in disease. Therefore, it has been classified as a Variant of Uncertain Significance.

Revvity Omics, Revvity
Classification: Uncertain significance. Last evaluated: 2019-04-18. Review status: criteria provided, single submitter. Criteria: ACMG Guidelines, 2015. Collection method: clinical testing. Allele origin: germline.